The following is an entry in ClinVar:

ClinVar aggregate classification (germline): Uncertain significance (1 of 4 stars; one submission).

Submission:

GeneDx
Classification: Uncertain significance. Last evaluated: 2024-05-26. Review status: criteria provided, single submitter. Criteria: GeneDx Variant Classification Process June 2021. Collection method: clinical testing. Allele origin: germline. Affected: yes.
Comment: Not observed at significant frequency in large population cohorts (gnomAD); In silico analysis indicates that this missense variant does not alter protein structure/function; Has not been previously published as pathogenic or benign to our knowledge

NM_198253.3(TERT):c.2294C>A (p.Thr765Asn)

Gene: TERT (telomerase reverse transcriptase; minus strand). Cytogenetic location: 5p15.33.
Variant type: single nucleotide variant.
Coding change: c.2294C>A on transcript NM_198253.3 (MANE Select); coding-DNA position 2294, C replaced by A.
Protein change: p.Thr765Asn; replaces threonine 765 with asparagine.
Molecular consequence: missense variant.
Genome position (GRCh38, 1-based): chr5:1,272,273, G>T on the plus strand (C>A on the coding strand, the complement: TERT is on the minus strand). VCF-style: chr5-1272273-G-T. GRCh37 (hg19) VCF-style: chr5-1272388-G-T.
Other names: c.2294C>A, p.Thr765Asn (NM_001193376.3); short protein forms T765N.
Identifiers: ClinVar variation 3383537 (VCV003383537.1).